The following is an entry in ClinVar:

NM_182961.4(SYNE1):c.16999G>A (p.Glu5667Lys)

Genes: SYNE1 (spectrin repeat containing nuclear envelope protein 1; minus strand), LOC126859837 (BRD4-independent group 4 enhancer GRCh37_chr6:152630775-152631974; plus strand). Cytogenetic location: 6q25.2.
Variant type: single nucleotide variant.
Coding change: c.16999G>A on transcript NM_182961.4 (MANE Select); coding-DNA position 16999, G replaced by A.
Protein change: p.Glu5667Lys; replaces glutamic acid 5667 with lysine.
Molecular consequence: missense variant.
Genome position (GRCh38, 1-based): chr6:152,310,416, C>T on the plus strand (G>A on the coding strand, the complement: SYNE1 is on the minus strand). VCF-style: chr6-152310416-C-T. GRCh37 (hg19) VCF-style: chr6-152631551-C-T.
Other names: c.16786G>A, p.Glu5596Lys (NM_033071.5); short protein forms E5596K, E5667K.
Identifiers: ClinVar variation 959460 (VCV000959460.11), dbSNP rs749088509, ClinGen allele CA4055378.
Genomic context (GRCh38, chr6:152,310,416, plus strand): 5'-AGGTCCCTGTCCCTATTTACTCCAAGTTAGTTTGGCTTACCTGCCGATGAGAGAGCTGCT[C>T]CTTGAGACTGAGACGTCCAACTTCTGGAGAAGTCAGTGTTGCCTGGGCTTGCTCCAAGGC-3'
Protein context (NP_892006.3, residues 5657-5677): SPEVGRLSLK[Glu5667Lys]QLSHRQHLLS

ClinVar aggregate classification (germline): Uncertain significance. Review status: criteria provided, multiple submitters, no conflicts (2 of 4 stars). 2 submissions from 2 submitters: Uncertain significance (2). Last evaluated 2022-02-16.

Conditions:
Emery-Dreifuss muscular dystrophy 4, autosomal dominant (EDMD4). Also called: EMERY-DREIFUSS MUSCULAR DYSTROPHY 4 WITH VARIABLE FEATURES. Identifiers: Orphanet 261, MedGen C2751807, MONDO:0013071, OMIM 612998.
Autosomal recessive ataxia, Beauce type. Also called: SYNE1 Deficiency; ATAXIA, RECESSIVE, OF BEAUCE; Spinocerebellar ataxia, autosomal recessive 8; SYNE1-Related Autosomal Recessive Cerebellar Ataxia. Identifiers: Orphanet 88644, MedGen C1853116, MONDO:0012549, OMIM 610743.

Allele frequency attached by ClinVar (database versions not stated): gnomAD exomes 0.00001; TOPMed 0.00001; ExAC 0.00002.
gnomAD v4.1: 7 of 1,614,126 alleles (0.00043%); highest among the groups gnomAD compares: Non-Finnish European, 0.00059%; no homozygotes.

Submissions (2):

Blueprint Genetics
Classification: Uncertain significance. Last evaluated: 2022-02-16. Review status: criteria provided, single submitter. Criteria: ACMG Guidelines, 2015. Collection method: clinical testing. Allele origin: germline.

Labcorp Genetics (formerly Invitae), Labcorp
Classification: Uncertain significance for Emery-Dreifuss muscular dystrophy 4, autosomal dominant; Autosomal recessive ataxia, Beauce type. Last evaluated: 2022-02-05. Review status: criteria provided, single submitter. Criteria: Invitae Variant Classification Sherloc (09022015). Collection method: clinical testing. Allele origin: germline.
Comment: This variant has not been reported in the literature in individuals affected with SYNE1-related conditions. In summary, the available evidence is currently insufficient to determine the role of this variant in disease. Therefore, it has been classified as a Variant of Uncertain Significance. Algorithms developed to predict the effect of missense changes on protein structure and function (SIFT, PolyPhen-2, Align-GVGD) all suggest that this variant is likely to be disruptive. ClinVar contains an entry for this variant (Variation ID: 959460). This variant is present in population databases (rs749088509, gnomAD 0.003%). This sequence change replaces glutamic acid, which is acidic and polar, with lysine, which is basic and polar, at codon 5596 of the SYNE1 protein (p.Glu5596Lys).